The following is an entry in ClinVar:

ClinVar aggregate classification (germline): Uncertain significance (1 of 4 stars; one submission).

Submission:

Labcorp Genetics (formerly Invitae), Labcorp
Classification: Uncertain significance. Last evaluated: 2022-07-20. Review status: criteria provided, single submitter. Criteria: Invitae Variant Classification Sherloc (09022015). Collection method: clinical testing. Allele origin: germline.
Comment: This variant, c.1465_1467del, results in the deletion of 1 amino acid(s) of the GDF5 protein (p.Gln489del), but otherwise preserves the integrity of the reading frame. This variant is not present in population databases (gnomAD no frequency). This variant has not been reported in the literature in individuals affected with GDF5-related conditions. Experimental studies and prediction algorithms are not available or were not evaluated, and the functional significance of this variant is currently unknown. In summary, the available evidence is currently insufficient to determine the role of this variant in disease. Therefore, it has been classified as a Variant of Uncertain Significance.

NM_000557.5(GDF5):c.1465_1467del (p.Gln489del)

Genes: GDF5 (growth differentiation factor 5; minus strand), GDF5-AS1 (GDF5 antisense RNA 1; plus strand). Cytogenetic location: 20q11.22.
Variant type: Deletion.
Coding change: c.1465_1467del on transcript NM_000557.5 (MANE Select); coding-DNA positions 1465 to 1467, 3 bases deleted (CAG; older notation c.1465_1467delCAG).
Protein change: p.Gln489del; deletes glutamine 489.
Molecular consequence: inframe deletion. On other transcripts: non-coding transcript variant (1).
Genome position (GRCh38, 1-based): chr20:35,433,948-35,433,950, CTG deleted on the plus strand (CAG on the coding strand, the reverse complement: GDF5 is on the minus strand); deleting any 3 consecutive bases within chr20:35,433,948-35,433,952 gives the same sequence; the c. name uses the placement nearest the transcript's 3' end. VCF-style (leftmost placement, unchanged base first): chr20-35433947-ACTG-A. GRCh37 (hg19) VCF-style: chr20-34021745-ACTG-A.
Other names: c.1465_1467del, p.Gln489del (NM_001319138.2); short protein forms Q489del.
Identifiers: ClinVar variation 2018429 (VCV002018429.4), dbSNP rs2515418042, ClinGen allele CA2580098118.
Genomic context (GRCh38, chr20:35,433,947, plus strand): 5'-GGAAGACAGAGGGCCAGTGCTGCTACCTGCAGCCACACGACTCCACGACCATGTCCTCAT[ACTG>A]CTTATACACCACGTTGTTGGCAGAGTCAATGAAGAGGATGCTGATGGGACTCAGCCGCGT-3'